The following is an entry in ClinVar:

NM_014000.3(VCL):c.137C>T (p.Ala46Val)

Genes: VCL (vinculin; plus strand), LOC130004109 (ATAC-STARR-seq lymphoblastoid active region 3587; plus strand). Cytogenetic location: 10q22.2.
Variant type: single nucleotide variant.
Coding change: c.137C>T on transcript NM_014000.3 (MANE Select); coding-DNA position 137, C replaced by T.
Protein change: p.Ala46Val; replaces alanine 46 with valine.
Molecular consequence: missense variant.
Genome position (GRCh38, 1-based): chr10:73,998,344, C>T. VCF-style: chr10-73998344-C-T. GRCh37 (hg19) VCF-style: chr10-75758102-C-T.
Other names: c.137C>T, p.Ala46Val (NM_003373.4); short protein forms A46V.
Identifiers: ClinVar variation 4768305 (VCV004768305.1).

ClinVar aggregate classification (germline): Uncertain significance (1 of 4 stars; one submission).

Conditions:
Dilated cardiomyopathy 1W (CMD1W). Identifiers: Orphanet 154, MedGen C1969639, MONDO:0012667, OMIM 611407.

Submission:

Labcorp Genetics (formerly Invitae), Labcorp
Classification: Uncertain significance for Dilated cardiomyopathy 1W. Last evaluated: 2025-07-30. Review status: criteria provided, single submitter. Criteria: Invitae Variant Classification Sherloc (09022015). Collection method: clinical testing. Allele origin: germline.
Comment: This sequence change replaces alanine, which is neutral and non-polar, with valine, which is neutral and non-polar, at codon 46 of the VCL protein (p.Ala46Val). The frequency data for this variant in the population databases is considered unreliable, as metrics indicate poor data quality at this position in the gnomAD database. This variant has not been reported in the literature in individuals affected with VCL-related conditions. An algorithm developed to predict the effect of missense changes on protein structure and function (PolyPhen-2) suggests that this variant is likely to be tolerated. In summary, the available evidence is currently insufficient to determine the role of this variant in disease. Therefore, it has been classified as a Variant of Uncertain Significance.